The following is an entry in ClinVar:

NM_000512.5(GALNS):c.424_566+1del

Gene: GALNS (galactosamine (N-acetyl)-6-sulfatase; minus strand). Cytogenetic location: 16q24.3.
Variant type: Deletion.
Coding change: c.424_566+1del on transcript NM_000512.5 (MANE Select); coding-DNA position 424 through the canonical splice donor site of the intron after coding-DNA position 566, 144 bases deleted.
Molecular consequence: splice acceptor variant, splice donor variant. On other transcripts: initiator codon variant (1).
Genome position (GRCh38, 1-based): chr16:88,837,621-88,837,764, 144 bases deleted. GRCh37 (hg19): chr16:88,904,033-88,904,176.
Other names: c.423_566del (NM_000512.5); c.-132_11+1del (NM_001323543.2); c.442_584+1del (NM_001323544.2).
Identifiers: ClinVar variation 1048403 (VCV001048403.4), dbSNP rs2143002309, ClinGen allele CA2499223759.

ClinVar aggregate classification (germline): Likely pathogenic (1 of 4 stars; one submission).

Conditions:
Mucopolysaccharidosis, MPS-IV-A (MPS4A). Also called: Mucopolysaccharidosis type IV A; Mucopolysaccharidosis Type IVA; Morquio syndrome A, mild; MORQUIO SYNDROME A; MPS IVA; mucopolysaccharidosis type 4A. Identifiers: Orphanet 309297, Orphanet 582, MedGen C0086651, MONDO:0009659, OMIM 253000.

Submission:

Laboratory of Diagnosis and Therapy of Lysosomal Disorders, University of Padova
Classification: Likely pathogenic for Mucopolysaccharidosis, MPS-IV-A. Last evaluated: 2021-02-01. Review status: criteria provided, single submitter. Criteria: ACMG Guidelines, 2015. Collection method: curation. Allele origin: germline. Affected: yes.
Comment: In vitro functional studies supportive of a damaging effect on the gene product (RNA studies; PS3_moderate); the prevalence of the variant in affected individuals is significantly increased compared with the prevalence in controls (PS4_supporting); located in a mutational hot spot and/or critical and well-established functional domain without benign variation (PM1_moderate); absent from gnomAD v2.1.1 (PM2_moderate)

Literature cited by the submitters: PubMed 20574428; PubMed 22521955; PubMed 24726177; PubMed 30023300; PubMed 34387910.